The following is an entry in ClinVar:

NM_004963.4(GUCY2C):c.238G>A (p.Ala80Thr)

Genes: GUCY2C (guanylate cyclase 2C; minus strand), GUCY2C-AS1 (GUCY2C antisense RNA 1; plus strand). Cytogenetic location: 12p12.3.
Variant type: single nucleotide variant.
Coding change: c.238G>A on transcript NM_004963.4 (MANE Select); coding-DNA position 238, G replaced by A.
Protein change: p.Ala80Thr; replaces alanine 80 with threonine.
Molecular consequence: missense variant.
Genome position (GRCh38, 1-based): chr12:14,688,043, C>T on the plus strand (G>A on the coding strand, the complement: GUCY2C is on the minus strand). VCF-style: chr12-14688043-C-T. GRCh37 (hg19) VCF-style: chr12-14840977-C-T.
Other names: short protein forms A80T.
Identifiers: ClinVar variation 1432696 (VCV001432696.6), dbSNP rs541215347, ClinGen allele CA6463800.

ClinVar aggregate classification (germline): Uncertain significance (1 of 4 stars; one submission).

Allele frequency attached by ClinVar (database versions not stated): ExAC 0.00001; gnomAD 0.00001 and 0.00002; TOPMed 0.00001; 1000 Genomes Project 30x 0.00016; 1000 Genomes Project 0.00020.

Submission:

Labcorp Genetics (formerly Invitae), Labcorp
Classification: Uncertain significance. Last evaluated: 2024-10-17. Review status: criteria provided, single submitter. Criteria: Invitae Variant Classification Sherloc (09022015). Collection method: clinical testing. Allele origin: germline.
Comment: This sequence change replaces alanine, which is neutral and non-polar, with threonine, which is neutral and polar, at codon 80 of the GUCY2C protein (p.Ala80Thr). This variant is present in population databases (rs541215347, gnomAD 0.006%). This variant has not been reported in the literature in individuals affected with GUCY2C-related conditions. ClinVar contains an entry for this variant (Variation ID: 1432696). An algorithm developed to predict the effect of missense changes on protein structure and function (PolyPhen-2) suggests that this variant is likely to be disruptive. In summary, the available evidence is currently insufficient to determine the role of this variant in disease. Therefore, it has been classified as a Variant of Uncertain Significance.